The following is an entry in ClinVar:

ClinVar aggregate classification (germline): Uncertain significance (1 of 4 stars; one submission).

Conditions:
Cardiovascular phenotype. Identifiers: MedGen CN230736.

gnomAD v4.1: 1 of 1,613,464 alleles (0.000062%); highest among the groups gnomAD compares: Non-Finnish European, 0.000085%; no homozygotes.

Submission:

Ambry Genetics
Classification: Uncertain significance for Cardiovascular phenotype. Last evaluated: 2026-01-02. Review status: criteria provided, single submitter. Criteria: Ambry Variant Classification Scheme 2023. Collection method: clinical testing. Allele origin: germline.
Comment: The p.R599G variant (also known as c.1795C>G), located in coding exon 16 of the PRDM5 gene, results from a C to G substitution at nucleotide position 1795. The arginine at codon 599 is replaced by glycine, an amino acid with dissimilar properties. This amino acid position is conserved. In addition, this alteration is predicted to be deleterious by in silico analysis. Based on the available evidence, the clinical significance of this variant remains unclear.

NM_018699.4(PRDM5):c.1795C>G (p.Arg599Gly)

Gene: PRDM5 (PR/SET domain 5; minus strand). Cytogenetic location: 4q27.
Variant type: single nucleotide variant.
Coding change: c.1795C>G on transcript NM_018699.4 (MANE Select); coding-DNA position 1795, C replaced by G.
Protein change: p.Arg599Gly; replaces arginine 599 with glycine.
Molecular consequence: missense variant. On other transcripts: 3 prime UTR variant (1).
Genome position (GRCh38, 1-based): chr4:120,695,209, G>C on the plus strand (C>G on the coding strand, the complement: PRDM5 is on the minus strand). VCF-style: chr4-120695209-G-C. GRCh37 (hg19) VCF-style: chr4-121616364-G-C.
Other names: c.1597C>G, p.Arg533Gly (NM_001379106.1); c.1702C>G, p.Arg568Gly (NM_001300823.2); c.*110C>G (NM_001300824.2); c.1828C>G, p.Arg610Gly (NM_001379104.1); short protein forms R599G, R610G, R533G, R568G.
Identifiers: ClinVar variation 4842500 (VCV004842500.1).
Genomic context (GRCh38, chr4:120,695,209, plus strand): 5'-CTTTGAGGTAGTCATTCCTTGTAAACTTCTTATGGCAAAACTGGCATTCTGCCAGGGGAC[G>C]ATTGGGATTATGAGTCATCTTGTGTCGAATCAGCATTTTCTTCAGGCTAAAAGCCAAATC-3'
Protein context (NP_061169.2, residues 589-609): IRHKMTHNPN[Arg599Gly]PLAECQFCHK